The following is an entry in ClinVar:

NM_006231.4(POLE):c.800del (p.Pro267fs)

Gene: POLE (DNA polymerase epsilon, catalytic subunit; minus strand). Cytogenetic location: 12q24.33.
Variant type: Deletion.
Coding change: c.800del on transcript NM_006231.4 (MANE Select); coding-DNA position 800, one base deleted (C; older notation c.800delC).
Protein change: p.Pro267fs; shifts the reading frame from proline 267.
Molecular consequence: frameshift variant.
Genome position (GRCh38, 1-based): chr12:132,677,364, G deleted on the plus strand (C on the coding strand, the reverse complement: POLE is on the minus strand); the first of 2 consecutive G bases (chr12:132,677,364-132,677,365); deleting either gives the same sequence. VCF-style (leftmost placement, unchanged base first): chr12-132677363-AG-A. GRCh37 (hg19) VCF-style: chr12-133253949-AG-A.
Other names: c.800delC (NM_006231.2); short protein forms P267fs.
Identifiers: ClinVar variation 3666385 (VCV003666385.3).

ClinVar aggregate classification (germline): Conflicting classifications of pathogenicity. Review status: criteria provided, conflicting classifications (1 of 4 stars). 2 submissions from 2 submitters: Pathogenic (1); Uncertain significance (1). Last evaluated 2024-12-13.

Conditions:
Hereditary cancer-predisposing syndrome. Also called: Hereditary Cancer Syndrome; Hereditary neoplastic syndrome; Neoplastic Syndromes, Hereditary; Tumor predisposition. Identifiers: Orphanet 140162, MedGen C0027672, MeSH D009386, MONDO:0015356.

Submissions (2):

Ambry Genetics
Classification: Uncertain significance for Hereditary cancer-predisposing syndrome. Last evaluated: 2024-12-13. Review status: criteria provided, single submitter. Criteria: Ambry Variant Classification Scheme 2023. Collection method: clinical testing. Allele origin: germline.
Comment: The c.800delC pathogenic mutation, located in coding exon 8 of the POLE gene, results from a deletion of one nucleotide at nucleotide position 800, causing a translational frameshift with a predicted alternate stop codon (p.P267Lfs*28). Loss-of-function variants subject to nonsense mediated decay (NMD) in POLE are known to cause POLE-deficiency; however, such associations with POLE-related polymerase proofreading-associated polyposis (PPAP) have not been reported. Based on the supporting evidence, this alteration is pathogenic for POLE-deficiency; however, the association of this alteration with POLE-related polymerase proofreading-associated polyposis (PPAP) is unknown.

Labcorp Genetics (formerly Invitae), Labcorp
Classification: Pathogenic. Last evaluated: 2024-09-08. Review status: criteria provided, single submitter. Criteria: Invitae Variant Classification Sherloc (09022015). Collection method: clinical testing. Allele origin: germline.
Comment: This sequence change creates a premature translational stop signal (p.Pro267Leufs*28) in the POLE gene. It is expected to result in an absent or disrupted protein product. Loss-of-function variants in POLE are known to be pathogenic (PMID: 23230001, 25948378, 30503519). This variant is not present in population databases (gnomAD no frequency). This variant has not been reported in the literature in individuals affected with POLE-related conditions. For these reasons, this variant has been classified as Pathogenic.

Literature cited by the submitters: PubMed 23230001 (cited by Labcorp Genetics (formerly Invitae), Labcorp); PubMed 25948378 (cited by Labcorp Genetics (formerly Invitae), Labcorp); PubMed 30503519 (cited by Labcorp Genetics (formerly Invitae), Labcorp).